The following is an entry in ClinVar:

NC_000014.9:g.(?_75757799)_(75766368_?)del

Gene: TTLL5 (tubulin tyrosine ligase like 5; plus strand). Cytogenetic location: 14q24.3.
Variant type: Deletion.
Identifiers: ClinVar variation 833195 (VCV000833195.7).

ClinVar aggregate classification (germline): Likely pathogenic (1 of 4 stars; one submission).

Submission:

Labcorp Genetics (formerly Invitae), Labcorp
Classification: Likely pathogenic. Last evaluated: 2021-02-17. Review status: criteria provided, single submitter. Criteria: Invitae Variant Classification Sherloc (09022015). Collection method: clinical testing. Allele origin: germline.
Comment: In summary, the currently available evidence indicates that the variant is pathogenic, but additional data are needed to prove that conclusively. Therefore, this variant has been classified as Likely Pathogenic. This variant disrupts the p.Glu543 amino acid residue in TTLL5. Other variant(s) that disrupt this residue have been determined to be pathogenic (PMID: 28173158, 24791901,28173158). This suggests that this residue is clinically significant, and that variants that disrupt this residue are likely to be disease-causing. This variant has been observed in individual(s) with clinical features of inherited retinal dystropy (Invitae). This variant is a gross deletion of the genomic region encompassing exon(s) 19-20 of the TTLL5 gene. This variant would be expected to be in-frame, preserving the integrity of the reading frame.

Literature cited by the submitters: PubMed 28173158; PubMed 24791901.